The following is an entry in ClinVar:

ClinVar aggregate classification (germline): Uncertain significance. Review status: criteria provided, multiple submitters, no conflicts (2 of 4 stars). 4 submissions from 4 submitters: Uncertain significance (4). Last evaluated 2026-01-02.

Conditions:
Patterned macular dystrophy 2. Identifiers: Orphanet 99001, MedGen C1837029, MONDO:0012162, OMIM 608970.
Hereditary cancer-predisposing syndrome. Also called: Tumor predisposition; Hereditary neoplastic syndrome; Neoplastic Syndromes, Hereditary; Hereditary Cancer Syndrome. Identifiers: Orphanet 140162, MedGen C0027672, MeSH D009386, MONDO:0015356.

Allele frequency attached by ClinVar (database versions not stated): gnomAD exomes below 0.00001 and 0.00001; ExAC 0.00001; ESP Exome Variant Server 0.00008.
gnomAD v4.1: 8 of 1,614,080 alleles (0.0005%); highest among the groups gnomAD compares: Non-Finnish European, 0.00068%; no homozygotes.

Submissions (4):

Labcorp Genetics (formerly Invitae), Labcorp
Classification: Uncertain significance. Last evaluated: 2026-01-02. Review status: criteria provided, single submitter. Criteria: Invitae Variant Classification Sherloc (09022015). Collection method: clinical testing. Allele origin: germline.
Comment: This sequence change replaces isoleucine, which is neutral and non-polar, with valine, which is neutral and non-polar, at codon 440 of the CTNNA1 protein (p.Ile440Val). This variant is present in population databases (rs368676572, gnomAD 0.0009%). This variant has not been reported in the literature in individuals affected with CTNNA1-related conditions. ClinVar contains an entry for this variant (Variation ID: 859108). Invitae Evidence Modeling of protein sequence and biophysical properties (such as structural, functional, and spatial information, amino acid conservation, physicochemical variation, residue mobility, and thermodynamic stability) indicates that this missense variant is not expected to disrupt CTNNA1 protein function with a negative predictive value of 80%. In summary, the available evidence is currently insufficient to determine the role of this variant in disease. Therefore, it has been classified as a Variant of Uncertain Significance.

Ambry Genetics
Classification: Uncertain significance for Hereditary cancer-predisposing syndrome. Last evaluated: 2025-08-25. Review status: criteria provided, single submitter. Criteria: Ambry Variant Classification Scheme 2023. Collection method: clinical testing. Allele origin: germline.
Comment: The p.I440V variant (also known as c.1318A>G), located in coding exon 9 of the CTNNA1 gene, results from an A to G substitution at nucleotide position 1318. The isoleucine at codon 440 is replaced by valine, an amino acid with highly similar properties. This amino acid position is highly conserved in available vertebrate species. In addition, this alteration is predicted to be tolerated by in silico analysis. Based on the available evidence, the clinical significance of this variant remains unclear.

GeneDx
Classification: Uncertain significance. Last evaluated: 2024-02-12. Review status: criteria provided, single submitter. Criteria: GeneDx Variant Classification Process June 2021. Collection method: clinical testing. Allele origin: germline. Affected: yes.
Comment: Not observed at significant frequency in large population cohorts (gnomAD); In silico analysis supports that this missense variant does not alter protein structure/function; Has not been previously published as pathogenic or benign to our knowledge; This variant is associated with the following publications: (PMID: 27915290, 32051609)

Baylor Genetics
Classification: Uncertain significance for Patterned macular dystrophy 2. Last evaluated: 2023-10-03. Review status: criteria provided, single submitter. Criteria: ACMG Guidelines, 2015. Collection method: clinical testing. Allele origin: unknown.

NM_001903.5(CTNNA1):c.1318A>G (p.Ile440Val)

Gene: CTNNA1 (catenin alpha 1; plus strand). Cytogenetic location: 5q31.2.
Variant type: single nucleotide variant.
Coding change: c.1318A>G on transcript NM_001903.5 (MANE Select); coding-DNA position 1318, A replaced by G.
Protein change: p.Ile440Val; replaces isoleucine 440 with valine.
Molecular consequence: missense variant. On other transcripts: 5 prime UTR variant (6), intron variant (3).
Genome position (GRCh38, 1-based): chr5:138,904,370, A>G. VCF-style: chr5-138904370-A-G. GRCh37 (hg19) VCF-style: chr5-138240059-A-G.
Other names: c.1318A>G, p.Ile440Val (NM_001290307.3, NM_001323982.2, NM_001323983.1 and 2 more transcripts); c.1009A>G, p.Ile337Val (NM_001290309.3); c.949A>G, p.Ile317Val (NM_001290310.3); c.208A>G, p.Ile70Val (NM_001290312.1, NM_001323987.1, NM_001323988.1 and 17 more transcripts); c.-190A>G (NM_001324006.1, NM_001324007.1, NM_001324008.1 and 1 more transcripts); c.-36A>G (NM_001324012.1, NM_001324013.1); c.1297-13372A>G (NM_001323986.2); c.187-13372A>G (NM_001324011.1); and 2 more; short protein forms I337V, I70V, I440V, I317V.
Identifiers: ClinVar variation 859108 (VCV000859108.14), dbSNP rs368676572, ClinGen allele CA3431919.
Genomic context (GRCh38, chr5:138,904,370, plus strand): 5'-AAGAGAAAAATCTTTAAAGATTATTTTTTATGTTTATAGGTTGCCAACTTGGCCTGTTCC[A>G]TCTCAAATAATGAAGAAGGTGTAAAGCTTGTTCGAATGTCTGCAAGCCAGTTAGAAGCCC-3'
Protein context (NP_001894.2, residues 430-450): LIEVANLACS[Ile440Val]SNNEEGVKLV